The following is an entry in ClinVar:

ClinVar aggregate classification (germline): Uncertain significance. Review status: criteria provided, multiple submitters, no conflicts (2 of 4 stars). 2 submissions from 2 submitters: Uncertain significance (2). Last evaluated 2023-09-26.

Conditions:
Myoclonic dystonia 26. Identifiers: MedGen C4225341, MONDO:0014620, OMIM 616398.

Allele frequency attached by ClinVar (database versions not stated): ExAC 0.00001; gnomAD 0.00001; gnomAD exomes 0.00001.
gnomAD v4.1: 14 of 1,601,568 alleles (0.00087%); highest among the groups gnomAD compares: South Asian, 0.0066%; no homozygotes.

Submissions (2):

Women's Health and Genetics/Laboratory Corporation of America, LabCorp
Classification: Uncertain significance. Last evaluated: 2023-09-26. Review status: criteria provided, single submitter. Criteria: LabCorp Variant Classification Summary - May 2015. Collection method: clinical testing. Allele origin: germline.
Comment: Variant summary: KCTD17 c.815C>T (p.Pro272Leu) results in a non-conservative amino acid change in the encoded protein sequence. Two of three in-silico tools predict a benign effect of the variant on protein function. The variant allele was found at a frequency of 1.7e-05 in 241086 control chromosomes (gnomAD). The available data on variant occurrences in the general population are insufficient to allow any conclusion about variant significance. To our knowledge, no occurrence of c.815C>T in individuals affected with Myoclonic Dystonia 26 and no experimental evidence demonstrating its impact on protein function have been reported. No submitters have cited clinical-significance assessments for this variant to ClinVar after 2014. Based on the evidence outlined above, the variant was classified as uncertain significance.

Labcorp Genetics (formerly Invitae), Labcorp
Classification: Uncertain significance for Myoclonic dystonia 26. Last evaluated: 2023-04-07. Review status: criteria provided, single submitter. Criteria: Invitae Variant Classification Sherloc (09022015). Collection method: clinical testing. Allele origin: germline.
Comment: Advanced modeling of protein sequence and biophysical properties (such as structural, functional, and spatial information, amino acid conservation, physicochemical variation, residue mobility, and thermodynamic stability) performed at Invitae indicates that this missense variant is not expected to disrupt KCTD17 protein function. In summary, the available evidence is currently insufficient to determine the role of this variant in disease. Therefore, it has been classified as a Variant of Uncertain Significance. This variant has not been reported in the literature in individuals affected with KCTD17-related conditions. This variant is present in population databases (rs755400870, gnomAD 0.007%). This sequence change replaces proline, which is neutral and non-polar, with leucine, which is neutral and non-polar, at codon 272 of the KCTD17 protein (p.Pro272Leu).

NM_001282684.2(KCTD17):c.794C>T (p.Pro265Leu)

Gene: KCTD17 (potassium channel tetramerization domain containing 17; plus strand). Cytogenetic location: 22q12.3.
Variant type: single nucleotide variant.
Coding change: c.794C>T on transcript NM_001282684.2 (MANE Select); coding-DNA position 794, C replaced by T.
Protein change: p.Pro265Leu; replaces proline 265 with leucine.
Molecular consequence: missense variant. On other transcripts: intron variant (1).
Genome position (GRCh38, 1-based): chr22:37,061,548, C>T. VCF-style: chr22-37061548-C-T. GRCh37 (hg19) VCF-style: chr22-37457588-C-T.
Other names: c.622C>T, p.Arg208Cys (NM_001282685.2); c.722C>T, p.Pro241Leu (NM_024681.4); c.613-977C>T (NM_001282686.2); short protein forms P241L, P265L, R208C.
Identifiers: ClinVar variation 2627319 (VCV002627319.4), dbSNP rs755400870, ClinGen allele CA10215157.
Genomic context (GRCh38, chr22:37,061,548, plus strand): 5'-CTGCCCCCCCTCCTCTCCTCCCGGCCTCCTCCTCACGTTTCCTCCTTGCAGGTTCCCGTC[C>T]GCACCCTCTCAGACCTGAGGCTGAGCTTGCAGTGAGGGCTTCTCCTCGGCCCCTCGCCCG-3'
Protein context (NP_001269613.2, residues 255-275): PPPLPAGGSR[Pro265Leu]HPLRPEAELA